The following is an entry in ClinVar:

ClinVar aggregate classification (germline): Uncertain significance (1 of 4 stars; one submission).

gnomAD v4.1: 3 of 1,381,442 alleles (0.00022%); highest among the groups gnomAD compares: Non-Finnish European, 0.00028%; no homozygotes.

Submission:

GeneDx
Classification: Uncertain significance. Last evaluated: 2024-11-19. Review status: criteria provided, single submitter. Criteria: GeneDx Variant Classification Process June 2021. Collection method: clinical testing. Allele origin: germline. Affected: yes.
Comment: Not observed at significant frequency in large population cohorts (gnomAD); In silico analysis indicates that this missense variant does not alter protein structure/function; Has not been previously published as pathogenic or benign to our knowledge

NM_003718.5(CDK13):c.200C>T (p.Ala67Val)

Genes: CDK13 (cyclin dependent kinase 13; plus strand), LOC129998292 (ATAC-STARR-seq lymphoblastoid silent region 18115; plus strand). Cytogenetic location: 7p14.1.
Variant type: single nucleotide variant.
Coding change: c.200C>T on transcript NM_003718.5 (MANE Select); coding-DNA position 200, C replaced by T.
Protein change: p.Ala67Val; replaces alanine 67 with valine.
Molecular consequence: missense variant.
Genome position (GRCh38, 1-based): chr7:39,950,841, C>T. VCF-style: chr7-39950841-C-T. GRCh37 (hg19) VCF-style: chr7-39990440-C-T.
Other names: c.200C>T, p.Ala67Val (NM_031267.4); short protein forms A67V.
Identifiers: ClinVar variation 3899574 (VCV003899574.1).